The following is an entry in ClinVar:

NM_005633.4(SOS1):c.2522A>C (p.Glu841Ala)

Gene: SOS1 (SOS Ras/Rac guanine nucleotide exchange factor 1; minus strand). Cytogenetic location: 2p22.1.
Variant type: single nucleotide variant.
Coding change: c.2522A>C on transcript NM_005633.4 (MANE Select); coding-DNA position 2522, A replaced by C.
Protein change: p.Glu841Ala; replaces glutamic acid 841 with alanine.
Molecular consequence: missense variant.
Genome position (GRCh38, 1-based): chr2:39,007,182, T>G on the plus strand (A>C on the coding strand, the complement: SOS1 is on the minus strand). VCF-style: chr2-39007182-T-G. GRCh37 (hg19) VCF-style: chr2-39234323-T-G.
Other names: c.2501A>C, p.Glu834Ala (NM_001382394.1); c.2522A>C, p.Glu841Ala (NM_001382395.1); short protein forms E841A, E834A.
Identifiers: ClinVar variation 2085194 (VCV002085194.4), dbSNP rs2528969461, ClinGen allele CA346363651.

ClinVar aggregate classification (germline): Uncertain significance (1 of 4 stars; one submission).

Conditions:
RASopathy. Also called: rasopathies; Noonan spectrum disorder. Identifiers: Orphanet 536391, MedGen C5555857, MONDO:0021060.

Submission:

Labcorp Genetics (formerly Invitae), Labcorp
Classification: Uncertain significance for RASopathy. Last evaluated: 2024-03-04. Review status: criteria provided, single submitter. Criteria: Invitae Variant Classification Sherloc (09022015). Collection method: clinical testing. Allele origin: germline.
Comment: This sequence change replaces glutamic acid, which is acidic and polar, with alanine, which is neutral and non-polar, at codon 841 of the SOS1 protein (p.Glu841Ala). This variant is not present in population databases (gnomAD no frequency). This variant has not been reported in the literature in individuals affected with SOS1-related conditions. ClinVar contains an entry for this variant (Variation ID: 2085194). Advanced modeling of protein sequence and biophysical properties (such as structural, functional, and spatial information, amino acid conservation, physicochemical variation, residue mobility, and thermodynamic stability) performed at Invitae indicates that this missense variant is expected to disrupt SOS1 protein function with a positive predictive value of 95%. In summary, the available evidence is currently insufficient to determine the role of this variant in disease. Therefore, it has been classified as a Variant of Uncertain Significance.